The following is an entry in ClinVar:

ClinVar aggregate classification (germline): Uncertain significance. Review status: criteria provided, multiple submitters, no conflicts (2 of 4 stars). 2 submissions from 2 submitters: Uncertain significance (2). Last evaluated 2026-04-09.

Conditions:
RAI1-related disorder. Also called: RAI1-related condition.

Allele frequency attached by ClinVar (database versions not stated): gnomAD exomes below 0.00001; TOPMed below 0.00001.
gnomAD v4.1: 2 of 1,613,672 alleles (0.00012%); highest among the groups gnomAD compares: Admixed American, 0.0017%; no homozygotes.

Submissions (2):

PreventionGenetics, part of Exact Sciences
Classification: Uncertain significance for RAI1-related condition. Last evaluated: 2026-04-09. Review status: criteria provided, single submitter. Criteria: ACMG Guidelines, 2015. Collection method: clinical testing. Allele origin: germline.
Comment: The RAI1 c.2836C>G variant is predicted to result in the amino acid substitution p.Leu946Val. To our knowledge, this variant has not been reported in the literature or in a large population database (gnomAD), indicating this variant is rare. At this time, the clinical significance of this variant is uncertain due to the absence of conclusive functional and genetic evidence.

Labcorp Genetics (formerly Invitae), Labcorp
Classification: Uncertain significance. Last evaluated: 2025-06-12. Review status: criteria provided, single submitter. Criteria: Invitae Variant Classification Sherloc (09022015). Collection method: clinical testing. Allele origin: germline.
Comment: This sequence change replaces leucine, which is neutral and non-polar, with valine, which is neutral and non-polar, at codon 946 of the RAI1 protein (p.Leu946Val). This variant is not present in population databases (gnomAD no frequency). This variant has not been reported in the literature in individuals affected with RAI1-related conditions. ClinVar contains an entry for this variant (Variation ID: 2798340). Invitae Evidence Modeling of protein sequence and biophysical properties (such as structural, functional, and spatial information, amino acid conservation, physicochemical variation, residue mobility, and thermodynamic stability) indicates that this missense variant is expected to disrupt RAI1 protein function with a positive predictive value of 80%. In summary, the available evidence is currently insufficient to determine the role of this variant in disease. Therefore, it has been classified as a Variant of Uncertain Significance.

NM_030665.4(RAI1):c.2836C>G (p.Leu946Val)

Gene: RAI1 (retinoic acid induced 1; plus strand). Cytogenetic location: 17p11.2.
Variant type: single nucleotide variant.
Coding change: c.2836C>G on transcript NM_030665.4 (MANE Select); coding-DNA position 2836, C replaced by G.
Protein change: p.Leu946Val; replaces leucine 946 with valine.
Molecular consequence: missense variant.
Genome position (GRCh38, 1-based): chr17:17,795,784, C>G. VCF-style: chr17-17795784-C-G. GRCh37 (hg19) VCF-style: chr17-17699098-C-G.
Other names: c.2836C>G (NM_030665.3); short protein forms L946V.
Identifiers: ClinVar variation 2798340 (VCV002798340.4), dbSNP rs1300506314, ClinGen allele CA398552095.
Genomic context (GRCh38, chr17:17,795,784, plus strand): 5'-ATCCTGCTGGGCCCTACAGTGGGCACCGAGTCAAAGGTCCAGAGCTGGTTTGAGTCCTCT[C>G]TGTCACACATGAAGCCAGGTGAAGAGGGGCCTGATGGGGAGCGAGCTCCAGGGGATTCCA-3'
Protein context (NP_109590.3, residues 936-956): SKVQSWFESS[Leu946Val]SHMKPGEEGP